The following is an entry in ClinVar:

NM_001386795.1(DTNA):c.16G>C (p.Gly6Arg)

Genes: DTNA (dystrobrevin alpha; plus strand), DTNA-AS1 (DTNA antisense RNA 1; minus strand). Cytogenetic location: 18q12.1.
Variant type: single nucleotide variant.
Coding change: c.16G>C on transcript NM_001386795.1 (MANE Select); coding-DNA position 16, G replaced by C.
Protein change: p.Gly6Arg; replaces glycine 6 with arginine.
Molecular consequence: missense variant.
Genome position (GRCh38, 1-based): chr18:34,755,992, G>C. VCF-style: chr18-34755992-G-C. GRCh37 (hg19) VCF-style: chr18-32335956-G-C.
Other names: c.16G>C, p.Gly6Arg (NM_032978.7, NM_032979.5, NM_001386777.1 and 35 more transcripts); short protein forms G6R.
Identifiers: ClinVar variation 3019259 (VCV003019259.3), dbSNP rs1281071710, ClinGen allele CA402274265.
Genomic context (GRCh38, chr18:34,755,992, plus strand): 5'-AATAGCGTGAGGATAATACACATTGTAACTATTTTGTCTCATAGAATGATTGAAGATAGT[G>C]GGAAAAGAGGAAATACCATGGCAGAAAGAAGACAGCTGTTTGCAGAGATGAGTAAGTATG-3'
Protein context (NP_001373724.1, residues 1-16): MIEDS[Gly6Arg]KRGNTMAERR

ClinVar aggregate classification (germline): Uncertain significance (1 of 4 stars; one submission).

Conditions:
Left ventricular noncompaction 1 (LVNC1). Also called: LEFT VENTRICULAR NONCOMPACTION 1 WITH OR WITHOUT CONGENITAL HEART DEFECTS. Identifiers: Orphanet 54260, MedGen C1858725, MONDO:0011403, OMIM 604169.

gnomAD v4.1: 3 of 1,613,282 alleles (0.00019%); highest among the groups gnomAD compares: Non-Finnish European, 0.00025%; no homozygotes.

Submission:

Labcorp Genetics (formerly Invitae), Labcorp
Classification: Uncertain significance for Left ventricular noncompaction 1. Last evaluated: 2024-04-26. Review status: criteria provided, single submitter. Criteria: Invitae Variant Classification Sherloc (09022015). Collection method: clinical testing. Allele origin: germline.
Comment: This sequence change replaces glycine, which is neutral and non-polar, with arginine, which is basic and polar, at codon 6 of the DTNA protein (p.Gly6Arg). This variant is not present in population databases (gnomAD no frequency). This variant has not been reported in the literature in individuals affected with DTNA-related conditions. Advanced modeling of protein sequence and biophysical properties (such as structural, functional, and spatial information, amino acid conservation, physicochemical variation, residue mobility, and thermodynamic stability) performed at Invitae indicates that this missense variant is not expected to disrupt DTNA protein function with a negative predictive value of 80%. In summary, the available evidence is currently insufficient to determine the role of this variant in disease. Therefore, it has been classified as a Variant of Uncertain Significance.